The following is an entry in ClinVar:

NM_001378457.1(DMXL2):c.1651C>G (p.Pro551Ala)

Gene: DMXL2 (Dmx like 2; minus strand). Cytogenetic location: 15q21.2.
Variant type: single nucleotide variant.
Coding change: c.1651C>G on transcript NM_001378457.1 (MANE Select); coding-DNA position 1651, C replaced by G.
Protein change: p.Pro551Ala; replaces proline 551 with alanine.
Molecular consequence: missense variant. On other transcripts: non-coding transcript variant (2).
Genome position (GRCh38, 1-based): chr15:51,536,829, G>C on the plus strand (C>G on the coding strand, the complement: DMXL2 is on the minus strand). VCF-style: chr15-51536829-G-C. GRCh37 (hg19) VCF-style: chr15-51829026-G-C.
Other names: c.1651C>G, p.Pro551Ala (NM_001174116.3, NM_001174117.3, NM_001378458.1 and 6 more transcripts); c.1411C>G, p.Pro471Ala (NM_001378464.1); short protein forms P471A, P551A.
Identifiers: ClinVar variation 3045166 (VCV003045166.2), dbSNP rs2048314176, ClinGen allele CA392466996.
Genomic context (GRCh38, chr15:51,536,829, plus strand): 5'-TCGCATTTATACAGGCATACATCATGATATTTTTACTAAGAGAGCTTGCATCACCAGAGG[G>C]AAATGCAACAGGAATCCGAGAAGAAAAAGAAACCTGAAAAACATAATTATATGATTCAGT-3'
Protein context (NP_001365386.1, residues 541-561): SFSSRIPVAF[Pro551Ala]SGDASSLSKN

ClinVar aggregate classification (germline): Uncertain significance (0 of 4 stars; one submission).

Conditions:
DMXL2-related disorder. Also called: DMXL2-related condition.

Submission:

PreventionGenetics, part of Exact Sciences
Classification: Uncertain significance for DMXL2-related condition. Last evaluated: 2023-12-21. Review status: no assertion criteria provided. Collection method: clinical testing. Allele origin: germline.
Comment: The DMXL2 c.1651C>G variant is predicted to result in the amino acid substitution p.Pro551Ala. To our knowledge, this variant has not been reported in the literature or in a large population database, indicating this variant is rare. At this time, the clinical significance of this variant is uncertain due to the absence of conclusive functional and genetic evidence.